The following is an entry in ClinVar:

ClinVar aggregate classification (germline): Uncertain significance (1 of 4 stars; one submission).

gnomAD v4.1: 2 of 1,614,258 alleles (0.00012%); highest among the groups gnomAD compares: Non-Finnish European, 0.00017%; no homozygotes.

Submission:

GeneDx
Classification: Uncertain significance. Last evaluated: 2024-11-06. Review status: criteria provided, single submitter. Criteria: GeneDx Variant Classification Process June 2021. Collection method: clinical testing. Allele origin: germline. Affected: yes.
Comment: Not observed at significant frequency in large population cohorts (gnomAD); In silico analysis supports that this missense variant has a deleterious effect on protein structure/function; Has not been previously published as pathogenic or benign to our knowledge

NM_001059.3(TACR3):c.231G>C (p.Gln77His)

Gene: TACR3 (tachykinin receptor 3; minus strand). Cytogenetic location: 4q24.
Variant type: single nucleotide variant.
Coding change: c.231G>C on transcript NM_001059.3 (MANE Select); coding-DNA position 231, G replaced by C.
Protein change: p.Gln77His; replaces glutamine 77 with histidine.
Molecular consequence: missense variant.
Genome position (GRCh38, 1-based): chr4:103,719,445, C>G on the plus strand (G>C on the coding strand, the complement: TACR3 is on the minus strand). VCF-style: chr4-103719445-C-G. GRCh37 (hg19) VCF-style: chr4-104640602-C-G.
Other names: short protein forms Q77H.
Identifiers: ClinVar variation 3899118 (VCV003899118.1).